The following is an entry in ClinVar:

ClinVar aggregate classification (germline): Uncertain significance (1 of 4 stars; one submission).

gnomAD v4.1: 1 of 1,614,132 alleles (0.000062%); highest among the groups gnomAD compares: Middle Eastern, 0.016%; no homozygotes.

Submission:

Labcorp Genetics (formerly Invitae), Labcorp
Classification: Uncertain significance. Last evaluated: 2022-07-19. Review status: criteria provided, single submitter. Criteria: Invitae Variant Classification Sherloc (09022015). Collection method: clinical testing. Allele origin: germline.
Comment: In summary, the available evidence is currently insufficient to determine the role of this variant in disease. Therefore, it has been classified as a Variant of Uncertain Significance. Advanced modeling of protein sequence and biophysical properties (such as structural, functional, and spatial information, amino acid conservation, physicochemical variation, residue mobility, and thermodynamic stability) performed at Invitae indicates that this missense variant is not expected to disrupt KMT2A protein function. This variant has not been reported in the literature in individuals affected with KMT2A-related conditions. This variant is not present in population databases (gnomAD no frequency). This sequence change replaces isoleucine, which is neutral and non-polar, with valine, which is neutral and non-polar, at codon 1132 of the KMT2A protein (p.Ile1132Val).

NM_001197104.2(KMT2A):c.3394A>G (p.Ile1132Val)

Gene: KMT2A (lysine methyltransferase 2A; plus strand). Cytogenetic location: 11q23.3.
Variant type: single nucleotide variant.
Coding change: c.3394A>G on transcript NM_001197104.2 (MANE Select); coding-DNA position 3394, A replaced by G.
Protein change: p.Ile1132Val; replaces isoleucine 1132 with valine.
Molecular consequence: missense variant.
Genome position (GRCh38, 1-based): chr11:118,478,026, A>G. VCF-style: chr11-118478026-A-G. GRCh37 (hg19) VCF-style: chr11-118348741-A-G.
Other names: c.3493A>G, p.Ile1165Val (NM_001412597.1); c.3394A>G, p.Ile1132Val (NM_005933.4); short protein forms I1132V, I1165V.
Identifiers: ClinVar variation 2096242 (VCV002096242.4), dbSNP rs2496840855, ClinGen allele CA382824499.